The following is an entry in ClinVar:

ClinVar aggregate classification (germline): Likely benign (0 of 4 stars; one submission).

Conditions:
ALOXE3-related disorder. Also called: ALOXE3-related condition.

Allele frequency attached by ClinVar (database versions not stated): gnomAD exomes 0.00002; ExAC 0.00007; gnomAD 0.00019; TOPMed 0.00020.
gnomAD v4.1: 65 of 1,614,132 alleles (0.004%); highest among the groups gnomAD compares: African/African-American, 0.051%; no homozygotes.

Submission:

PreventionGenetics, part of Exact Sciences
Classification: Likely benign for ALOXE3-related condition. Last evaluated: 2022-02-27. Review status: no assertion criteria provided. Collection method: clinical testing. Allele origin: germline.
Comment: This variant is classified as likely benign based on ACMG/AMP sequence variant interpretation guidelines (Richards et al. 2015 PMID: 25741868, with internal and published modifications).

NM_021628.3(ALOXE3):c.252T>C (p.Cys84=)

Gene: ALOXE3 (arachidonate epidermal lipoxygenase 3; minus strand). Cytogenetic location: 17p13.1.
Variant type: single nucleotide variant.
Coding change: c.252T>C on transcript NM_021628.3 (MANE Select); coding-DNA position 252, T replaced by C.
Protein change: p.Cys84=; no amino-acid change (cysteine 84 retained).
Molecular consequence: synonymous variant.
Genome position (GRCh38, 1-based): chr17:8,116,876, A>G on the plus strand (T>C on the coding strand, the complement: ALOXE3 is on the minus strand). VCF-style: chr17-8116876-A-G. GRCh37 (hg19) VCF-style: chr17-8020194-A-G.
Other names: c.648T>C, p.Cys216= (NM_001165960.1); c.252T>C, p.Cys84= (NM_001369446.1).
Identifiers: ClinVar variation 3046644 (VCV003046644.2), dbSNP rs767286443, ClinGen allele CA8368488.